The following is an entry in ClinVar:

NM_003719.5(PDE8B):c.653C>T (p.Ser218Leu)

Gene: PDE8B (phosphodiesterase 8B; plus strand). Cytogenetic location: 5q13.3.
Variant type: single nucleotide variant.
Coding change: c.653C>T on transcript NM_003719.5 (MANE Select); coding-DNA position 653, C replaced by T.
Protein change: p.Ser218Leu; replaces serine 218 with leucine.
Molecular consequence: missense variant.
Genome position (GRCh38, 1-based): chr5:77,331,404, C>T. VCF-style: chr5-77331404-C-T. GRCh37 (hg19) VCF-style: chr5-76627229-C-T.
Other names: c.653C>T, p.Ser218Leu (NM_001029852.4, NM_001029854.4, NM_001029851.4 and 2 more transcripts); c.593C>T, p.Ser198Leu (NM_001029853.4); c.650C>T, p.Ser217Leu (NM_001349748.3, NM_001349751.3, NM_001376065.1); c.716C>T, p.Ser239Leu (NM_001349749.3); c.413C>T, p.Ser138Leu (NM_001349750.3); c.347C>T, p.Ser116Leu (NM_001349752.3, NM_001376071.1); c.281C>T, p.Ser94Leu (NM_001349753.2, NM_001376075.1, NM_001414622.1 and 3 more transcripts); c.350C>T, p.Ser117Leu (NM_001376062.1, NM_001376072.1, NM_001376073.1 and 1 more transcripts); and 3 more; short protein forms S117L, S94L, S97L, S137L, S198L, S218L, S116L, S138L.
Identifiers: ClinVar variation 2708714 (VCV002708714.4), dbSNP rs562435179, ClinGen allele CA3315008.

ClinVar aggregate classification (germline): Uncertain significance. Review status: criteria provided, multiple submitters, no conflicts (2 of 4 stars). 2 submissions from 2 submitters: Uncertain significance (2). Last evaluated 2025-10-18.

Conditions:
Inborn genetic diseases. Identifiers: MedGen C0950123, MeSH D030342.

Allele frequency attached by ClinVar (database versions not stated): gnomAD 0.00001; gnomAD exomes 0.00003; TOPMed 0.00004; ExAC 0.00006; 1000 Genomes Project 30x 0.00016; 1000 Genomes Project 0.00020.
gnomAD v4.1: 45 of 1,613,584 alleles (0.0028%); highest among the groups gnomAD compares: Non-Finnish European, 0.0036%; no homozygotes.

Submissions (2):

Ambry Genetics
Classification: Uncertain significance for Inborn genetic diseases. Last evaluated: 2025-10-18. Review status: criteria provided, single submitter. Criteria: Ambry Variant Classification Scheme 2023. Collection method: clinical testing. Allele origin: germline.

Labcorp Genetics (formerly Invitae), Labcorp
Classification: Uncertain significance. Last evaluated: 2025-10-02. Review status: criteria provided, single submitter. Criteria: Invitae Variant Classification Sherloc (09022015). Collection method: clinical testing. Allele origin: germline.
Comment: This sequence change replaces serine, which is neutral and polar, with leucine, which is neutral and non-polar, at codon 218 of the PDE8B protein (p.Ser218Leu). This variant is present in population databases (rs562435179, gnomAD 0.009%). This variant has not been reported in the literature in individuals affected with PDE8B-related conditions. ClinVar contains an entry for this variant (Variation ID: 2708714). An algorithm developed to predict the effect of missense changes on protein structure and function outputs the following: PolyPhen-2: "Benign". The leucine amino acid residue is found in multiple mammalian species, which suggests that this missense change does not adversely affect protein function. In summary, the available evidence is currently insufficient to determine the role of this variant in disease. Therefore, it has been classified as a Variant of Uncertain Significance.